The following is an entry in ClinVar:

NM_001365276.2(TNXB):c.9387C>T (p.Tyr3129=)

Gene: TNXB (tenascin XB; minus strand). Cytogenetic location: 6p21.33.
Variant type: single nucleotide variant.
Coding change: c.9387C>T on transcript NM_001365276.2 (MANE Select); coding-DNA position 9387, C replaced by T.
Protein change: p.Tyr3129=; no amino-acid change (tyrosine 3129 retained).
Molecular consequence: synonymous variant.
Genome position (GRCh38, 1-based): chr6:32,050,050, G>A on the plus strand (C>T on the coding strand, the complement: TNXB is on the minus strand). VCF-style: chr6-32050050-G-A. GRCh37 (hg19) VCF-style: chr6-32017827-G-A.
Other names: p.Tyr3127=; c.9381C>T, p.Tyr3127= (NM_019105.8).
Identifiers: ClinVar variation 2593652 (VCV002593652.7), dbSNP rs758299854, ClinGen allele CA3733552.

ClinVar aggregate classification (germline): Likely benign. Review status: criteria provided, multiple submitters, no conflicts (2 of 4 stars). 5 submissions from 5 submitters: Likely benign (4). 1 of the submissions does not count toward it. Last evaluated 2026-01-12.

Conditions:
Cardiovascular phenotype. Identifiers: MedGen CN230736.
TNXB-related disorder. Also called: TNXB-related condition.

Allele frequency attached by ClinVar (database versions not stated): gnomAD 0.00007; gnomAD exomes 0.00007; TOPMed 0.00007; ExAC 0.00015.
gnomAD v4.1: 115 of 1,613,676 alleles (0.0071%); highest among the groups gnomAD compares: Non-Finnish European, 0.0089%; no homozygotes.

Submissions (5):

Labcorp Genetics (formerly Invitae), Labcorp
Classification: Likely benign. Last evaluated: 2026-01-12. Review status: criteria provided, single submitter. Criteria: Invitae Variant Classification Sherloc (09022015). Collection method: clinical testing. Allele origin: germline.

Women's Health and Genetics/Laboratory Corporation of America, LabCorp
Classification: Likely benign. Last evaluated: 2025-09-16. Review status: criteria provided, single submitter. Criteria: LabCorp Variant Classification Summary - May 2015. Collection method: clinical testing. Allele origin: germline.

Mayo Clinic Laboratories, Mayo Clinic
Classification: Likely benign. Last evaluated: 2025-03-10. Review status: criteria provided, single submitter. Criteria: ACMG Guidelines, 2015. Collection method: clinical testing. Allele origin: germline. Observed: 2 variant alleles.
Comment: BP4, BP7

Ambry Genetics
Classification: Likely benign for Cardiovascular phenotype. Last evaluated: 2023-07-16. Review status: criteria provided, single submitter. Criteria: Ambry Variant Classification Scheme 2023. Collection method: clinical testing. Allele origin: germline.

PreventionGenetics, part of Exact Sciences
Classification: Likely benign for TNXB-related condition. Last evaluated: 2019-03-27. Review status: no assertion criteria provided. Collection method: clinical testing. Allele origin: germline. Not counted in ClinVar's aggregate classification.
Comment: This variant is classified as likely benign based on ACMG/AMP sequence variant interpretation guidelines (Richards et al. 2015 PMID: 25741868, with internal and published modifications).